The following is an entry in ClinVar:

NM_001365999.1(SZT2):c.9931G>T (p.Val3311Phe)

Genes: SZT2 (SZT2 subunit of KICSTOR complex; plus strand), SZT2-AS1 (SZT2 antisense RNA 1; minus strand). Cytogenetic location: 1p34.2.
Variant type: single nucleotide variant.
Coding change: c.9931G>T on transcript NM_001365999.1 (MANE Select); coding-DNA position 9931, G replaced by T.
Protein change: p.Val3311Phe; replaces valine 3311 with phenylalanine.
Molecular consequence: missense variant. On other transcripts: non-coding transcript variant (1).
Genome position (GRCh38, 1-based): chr1:43,448,446, G>T. VCF-style: chr1-43448446-G-T. GRCh37 (hg19) VCF-style: chr1-43914117-G-T.
Other names: c.9760G>T, p.Val3254Phe (NM_015284.4); short protein forms V3254F, V3311F.
Identifiers: ClinVar variation 588024 (VCV000588024.5), dbSNP rs1557606189, ClinGen allele CA340046049.
Genomic context (GRCh38, chr1:43,448,446, plus strand): 5'-GATCGACTGCGGCTAGGGGGGCGCCTGGCCCTGGCAGAGCTGGAGGAACTCCTAGAAGCA[G>T]TCCATGCCAAATCCATTGGGGACATCGACCCCCAGCTGGTAAGGAACTGTGGGCTCCCGA-3'
Protein context (NP_001352928.1, residues 3301-3321): LAELEELLEA[Val3311Phe]HAKSIGDIDP

ClinVar aggregate classification (germline): Uncertain significance (1 of 4 stars; one submission).

Conditions:
Inborn genetic diseases. Identifiers: MedGen C0950123, MeSH D030342.

Submission:

Ambry Genetics
Classification: Uncertain significance for Inborn genetic diseases. Last evaluated: 2016-07-11. Review status: criteria provided, single submitter. Criteria: Ambry Variant Classification Scheme 2023. Collection method: clinical testing. Allele origin: germline.
Comment: The p.V3254F variant (also known as c.9760G>T), located in coding exon 68 of the SZT2 gene, results from a G to T substitution at nucleotide position 9760. The valine at codon 3254 is replaced by phenylalanine, an amino acid with highly similar properties. This variant was not reported in population based cohorts in the following databases: Database of Single Nucleotide Polymorphisms (dbSNP), NHLBI Exome Sequencing Project (ESP), and 1000 Genomes Project. In the ESP, this variant was not observed in 6502 samples (13004 alleles) with coverage at this position. This amino acid position is highly conserved in available vertebrate species. In addition, the in silico prediction for this alteration is inconclusive. Since supporting evidence is limited at this time, the clinical significance of this alteration remains unclear.